The following is an entry in ClinVar:

ClinVar aggregate classification (germline): Uncertain significance. Review status: criteria provided, multiple submitters, no conflicts (2 of 4 stars). 4 submissions from 4 submitters: Uncertain significance (4). Last evaluated 2025-01-01.

Conditions:
POLD1-related polyposis and colorectal cancer syndrome (CRCS10). Also called: Colorectal cancer 10; COLORECTAL CANCER, SUSCEPTIBILITY TO, ON CHROMOSOME 19q; Colorectal cancer, susceptibility to, 10. Identifiers: Orphanet 220460, MedGen C2675481, MONDO:0012953, OMIM 612591.
Hereditary cancer-predisposing syndrome. Also called: Tumor predisposition; Hereditary Cancer Syndrome; Hereditary neoplastic syndrome; Neoplastic Syndromes, Hereditary. Identifiers: Orphanet 140162, MedGen C0027672, MeSH D009386, MONDO:0015356.

Allele frequency attached by ClinVar (database versions not stated): gnomAD exomes below 0.00001.
gnomAD v4.1: 3 of 1,590,052 alleles (0.00019%); highest among the groups gnomAD compares: Non-Finnish European, 0.00026%; no homozygotes.

Submissions (4):

Labcorp Genetics (formerly Invitae), Labcorp
Classification: Uncertain significance for POLD1-related polyposis and colorectal cancer syndrome. Last evaluated: 2025-01-01. Review status: criteria provided, single submitter. Criteria: Invitae Variant Classification Sherloc (09022015). Collection method: clinical testing. Allele origin: germline.
Comment: This sequence change replaces serine, which is neutral and polar, with glycine, which is neutral and non-polar, at codon 492 of the POLD1 protein (p.Ser492Gly). This variant is not present in population databases (gnomAD no frequency). This variant has not been reported in the literature in individuals affected with POLD1-related conditions. ClinVar contains an entry for this variant (Variation ID: 864611). Invitae Evidence Modeling of protein sequence and biophysical properties (such as structural, functional, and spatial information, amino acid conservation, physicochemical variation, residue mobility, and thermodynamic stability) indicates that this missense variant is not expected to disrupt POLD1 protein function with a negative predictive value of 80%. In summary, the available evidence is currently insufficient to determine the role of this variant in disease. Therefore, it has been classified as a Variant of Uncertain Significance.

GeneDx
Classification: Uncertain significance. Last evaluated: 2024-09-30. Review status: criteria provided, single submitter. Criteria: GeneDx Variant Classification Process June 2021. Collection method: clinical testing. Allele origin: germline. Affected: yes.
Comment: Not observed at significant frequency in large population cohorts (gnomAD); In silico analysis supports that this missense variant has a deleterious effect on protein structure/function; Has not been previously published as pathogenic or benign to our knowledge; This variant is associated with the following publications: (PMID: 20951805, 11988770)

Baylor Genetics
Classification: Uncertain significance for POLD1-related polyposis and colorectal cancer syndrome. Last evaluated: 2023-10-10. Review status: criteria provided, single submitter. Criteria: ACMG Guidelines, 2015. Collection method: clinical testing. Allele origin: unknown.

Ambry Genetics
Classification: Uncertain significance for Hereditary cancer-predisposing syndrome. Last evaluated: 2023-06-24. Review status: criteria provided, single submitter. Criteria: Ambry Variant Classification Scheme 2023. Collection method: clinical testing. Allele origin: germline.
Comment: The p.S492G variant (also known as c.1474A>G), located in coding exon 11 of the POLD1 gene, results from an A to G substitution at nucleotide position 1474. The serine at codon 492 is replaced by glycine, an amino acid with similar properties. This amino acid position is highly conserved in available vertebrate species. In addition, this alteration is predicted to be tolerated by in silico analysis. Since supporting evidence is limited at this time, the clinical significance of this alteration remains unclear.

NM_002691.4(POLD1):c.1474A>G (p.Ser492Gly)

Gene: POLD1 (DNA polymerase delta 1, catalytic subunit; plus strand). Cytogenetic location: 19q13.33.
Variant type: single nucleotide variant.
Coding change: c.1474A>G on transcript NM_002691.4 (MANE Select); coding-DNA position 1474, A replaced by G.
Protein change: p.Ser492Gly; replaces serine 492 with glycine.
Molecular consequence: missense variant. On other transcripts: non-coding transcript variant (1).
Genome position (GRCh38, 1-based): chr19:50,406,497, A>G. VCF-style: chr19-50406497-A-G. GRCh37 (hg19) VCF-style: chr19-50909754-A-G.
Other names: c.1474A>G, p.Ser492Gly (NM_001256849.1, NM_001308632.1); short protein forms S492G.
Identifiers: ClinVar variation 864611 (VCV000864611.14), dbSNP rs2038889864, ClinGen allele CA406980286.